The following is an entry in ClinVar:

NM_014363.6(SACS):c.9744G>A (p.Trp3248Ter)

Gene: SACS (sacsin molecular chaperone; minus strand). Cytogenetic location: 13q12.12.
Variant type: single nucleotide variant.
Coding change: c.9744G>A on transcript NM_014363.6 (MANE Select); coding-DNA position 9744, G replaced by A.
Protein change: p.Trp3248Ter; replaces tryptophan 3248 with a stop codon.
Molecular consequence: nonsense.
Genome position (GRCh38, 1-based): chr13:23,334,132, C>T on the plus strand (G>A on the coding strand, the complement: SACS is on the minus strand). VCF-style: chr13-23334132-C-T. GRCh37 (hg19) VCF-style: chr13-23908271-C-T.
Other names: c.9303G>A, p.Trp3101Ter (NM_001278055.2); short protein forms W3248*, W3101*.
Identifiers: ClinVar variation 959674 (VCV000959674.9), dbSNP rs1883673959, ClinGen allele CA387513753.
Genomic context (GRCh38, chr13:23,334,132, plus strand): 5'-AAATGTTGGTTTTGTTTCTTCCTGATCTTCTTTCACACTTACAGATTCACTAATAAAATG[C>T]CATGCATTCTTAAGCCAAGACTCACTTGCAAAATTGTCTTTCCACTTTGTGCAACTTTTG-3'

ClinVar aggregate classification (germline): Pathogenic (1 of 4 stars; one submission).

Conditions:
Spastic paraplegia. Identifiers: MedGen C0037772, HP:0001258.

Submission:

Labcorp Genetics (formerly Invitae), Labcorp
Classification: Pathogenic for Spastic paraplegia. Last evaluated: 2019-11-16. Review status: criteria provided, single submitter. Criteria: Invitae Variant Classification Sherloc (09022015). Collection method: clinical testing. Allele origin: germline.
Comment: For these reasons, this variant has been classified as Pathogenic. This variant disrupts the C-terminus of the SACS protein. Other variant(s) that disrupt this region (p.Gln4054*) have been determined to be pathogenic (PMID: 18465152, 27288452). This suggests that variants that disrupt this region of the protein are likely to be causative of disease. This variant has not been reported in the literature in individuals with SACS-related conditions. This variant is not present in population databases (ExAC no frequency). This sequence change results in a premature translational stop signal in the SACS gene (p.Trp3248*). While this is not anticipated to result in nonsense mediated decay, it is expected to disrupt the last 1,332 amino acids of the SACS protein.

Literature cited by the submitters: PubMed 18465152; PubMed 27288452.